The following is an entry in ClinVar:

NM_014908.4(DOLK):c.1267C>G (p.Pro423Ala)

Gene: DOLK (dolichol kinase; minus strand). Cytogenetic location: 9q34.11.
Variant type: single nucleotide variant.
Coding change: c.1267C>G on transcript NM_014908.4 (MANE Select); coding-DNA position 1267, C replaced by G.
Protein change: p.Pro423Ala; replaces proline 423 with alanine.
Molecular consequence: missense variant.
Genome position (GRCh38, 1-based): chr9:128,946,037, G>C on the plus strand (C>G on the coding strand, the complement: DOLK is on the minus strand). VCF-style: chr9-128946037-G-C. GRCh37 (hg19) VCF-style: chr9-131708316-G-C.
Other names: short protein forms P423A.
Identifiers: ClinVar variation 2265787 (VCV002265787.2), dbSNP rs1354312358, ClinGen allele CA375118435.

ClinVar aggregate classification (germline): Uncertain significance (1 of 4 stars; one submission).

Conditions:
Cardiovascular phenotype. Identifiers: MedGen CN230736.

Submission:

Ambry Genetics
Classification: Uncertain significance for Cardiovascular phenotype. Last evaluated: 2023-09-07. Review status: criteria provided, single submitter. Criteria: Ambry Variant Classification Scheme 2023. Collection method: clinical testing. Allele origin: germline.
Comment: The p.P423A variant (also known as c.1267C>G), located in coding exon 1 of the DOLK gene, results from a C to G substitution at nucleotide position 1267. The proline at codon 423 is replaced by alanine, an amino acid with highly similar properties. This amino acid position is conserved. In addition, this alteration is predicted to be deleterious by in silico analysis. Since supporting evidence is limited at this time, the clinical significance of this alteration remains unclear.